The following is an entry in ClinVar:

ClinVar aggregate classification (germline): Benign (1 of 4 stars; one submission).

Allele frequency attached by ClinVar (database versions not stated): TOPMed 0.28753; gnomAD 0.29102 and 0.29836; 1000 Genomes Project 30x 0.32605; 1000 Genomes Project 0.33087.
gnomAD v4.1: 45,324 of 152,128 alleles (30%); highest among the groups gnomAD compares: East Asian, 47%; 6,940 homozygotes.

Submission:

GeneDx
Classification: Benign. Last evaluated: 2018-06-14. Review status: criteria provided, single submitter. Criteria: GeneDx Variant Classification (06012015). Collection method: clinical testing. Allele origin: germline. Affected: yes.
Comment: This variant is considered likely benign or benign based on one or more of the following criteria: it is a conservative change, it occurs at a poorly conserved position in the protein, it is predicted to be benign by multiple in silico algorithms, and/or has population frequency not consistent with disease.

NM_025152.3(NUBPL):c.897+155A>G

Gene: NUBPL (NUBP iron-sulfur cluster assembly factor, mitochondrial; plus strand). Cytogenetic location: 14q12.
Variant type: single nucleotide variant.
Coding change: c.897+155A>G on transcript NM_025152.3 (MANE Select); 155 bases into the intron after coding-DNA position 897, A replaced by G.
Molecular consequence: intron variant.
Genome position (GRCh38, 1-based): chr14:31,850,356, A>G. VCF-style: chr14-31850356-A-G. GRCh37 (hg19) VCF-style: chr14-32319562-A-G.
Other names: c.609+155A>G (NM_001201573.2); c.348+155A>G (NM_001201574.2).
Identifiers: ClinVar variation 669941 (VCV000669941.1), dbSNP rs3825742, ClinGen allele CA14002569.